The following is an entry in ClinVar:

NM_001206999.2(CIT):c.26G>A (p.Arg9Gln)

Gene: CIT (citron rho-interacting serine/threonine kinase; minus strand). Cytogenetic location: 12q24.23.
Variant type: single nucleotide variant.
Coding change: c.26G>A on transcript NM_001206999.2 (MANE Select); coding-DNA position 26, G replaced by A.
Protein change: p.Arg9Gln; replaces arginine 9 with glutamine.
Molecular consequence: missense variant.
Genome position (GRCh38, 1-based): chr12:119,876,143, C>T on the plus strand (G>A on the coding strand, the complement: CIT is on the minus strand). VCF-style: chr12-119876143-C-T. GRCh37 (hg19) VCF-style: chr12-120313947-C-T.
Other names: c.26G>A, p.Arg9Gln (NM_007174.3); short protein forms R9Q.
Identifiers: ClinVar variation 715456 (VCV000715456.36), dbSNP rs56193743, ClinGen allele CA6822539.
Genomic context (GRCh38, chr12:119,876,143, plus strand): 5'-AGATTCAGCCTGGAGGCCCGGCTGGCAATGGGTTCAGCAGCACCAGCATCCAAAGGATTC[C>T]GCGCTCCATATTTGAACTTCAACATCTCCCCACTGGCGCTGAAAGGATATCAGAAAAGTC-3'
Protein context (NP_001193928.1, residues 1-19): MLKFKYGA[Arg9Gln]NPLDAGAAEP

ClinVar aggregate classification (germline): Benign/Likely benign. Review status: criteria provided, multiple submitters, no conflicts (2 of 4 stars). 5 submissions from 5 submitters: Benign (3); Likely benign (1). 1 of the submissions does not count toward it. Last evaluated 2026-07-01.

Conditions:
CIT-related disorder. Also called: CIT-related condition.

Allele frequency attached by ClinVar (database versions not stated): 1000 Genomes Project 0.00319; 1000 Genomes Project 30x 0.00328; TOPMed 0.00457; gnomAD exomes 0.00493; ESP Exome Variant Server 0.00515; ExAC 0.00529.
gnomAD v4.1: 9,386 of 1,613,638 alleles (0.58%); highest among the groups gnomAD compares: Non-Finnish European, 0.68%; 39 homozygotes.

Submissions (5):

CeGaT Center for Human Genetics Tuebingen
Classification: Likely benign. Last evaluated: 2026-07-01. Review status: criteria provided, single submitter. Criteria: CeGaT Center For Human Genetics Tuebingen Variant Classification Criteria Version 2. Collection method: clinical testing. Allele origin: germline. Affected: yes. Observed: 27 variant alleles.
Comment: CIT: BP4, BS2

Labcorp Genetics (formerly Invitae), Labcorp
Classification: Benign. Last evaluated: 2026-01-12. Review status: criteria provided, single submitter. Criteria: Invitae Variant Classification Sherloc (09022015). Collection method: clinical testing. Allele origin: germline.

GeneDx
Classification: Benign. Last evaluated: 2021-01-19. Review status: criteria provided, single submitter. Criteria: GeneDx Variant Classification Process June 2021. Collection method: clinical testing. Allele origin: germline. Affected: yes.

Breakthrough Genomics
Classification: Benign. Review status: criteria provided, single submitter. Criteria: ACMG Guidelines, 2015. Collection method: not provided. Allele origin: germline. Inheritance: Autosomal recessive inheritance. Affected: yes.

PreventionGenetics, part of Exact Sciences
Classification: Benign for CIT-related condition. Last evaluated: 2019-03-06. Review status: no assertion criteria provided. Collection method: clinical testing. Allele origin: germline. Not counted in ClinVar's aggregate classification.
Comment: This variant is classified as benign based on ACMG/AMP sequence variant interpretation guidelines (Richards et al. 2015 PMID: 25741868, with internal and published modifications).